The following is an entry in ClinVar:

NM_001876.4(CPT1A):c.2071C>T (p.Gln691Ter)

Gene: CPT1A (carnitine palmitoyltransferase 1A; minus strand). Cytogenetic location: 11q13.3.
Variant type: single nucleotide variant.
Coding change: c.2071C>T on transcript NM_001876.4 (MANE Select); coding-DNA position 2071, C replaced by T.
Protein change: p.Gln691Ter; replaces glutamine 691 with a stop codon.
Molecular consequence: nonsense.
Genome position (GRCh38, 1-based): chr11:68,760,296, G>A on the plus strand (C>T on the coding strand, the complement: CPT1A is on the minus strand). VCF-style: chr11-68760296-G-A. GRCh37 (hg19) VCF-style: chr11-68527764-G-A.
Other names: c.2071C>T, p.Gln691Ter (NM_001031847.3); short protein forms Q691*.
Identifiers: ClinVar variation 370101 (VCV000370101.8), dbSNP rs765161206, ClinGen allele CA6152102.
Genomic context (GRCh38, chr11:68,760,296, plus strand): 5'-CCCCTCCGCTGGACACGTACTCTGGGTTATTCTCCAAGTCAAACAGCTCCACTTGCTGCT[G>A]AGGGGTCTGGCTTGTTGATAATCTCCAAGGCTCAGATAAAACCTATTGAGTGAAACAGGG-3'

ClinVar aggregate classification (germline): Pathogenic. Review status: criteria provided, single submitter (1 of 4 stars). 2 submissions from 2 submitters: Pathogenic (1). 1 of the submissions does not count toward it. Last evaluated 2024-02-14.

Conditions:
Carnitine palmitoyl transferase 1A deficiency. Also called: Carnitine palmitoyltransferase 1A deficiency; CPT deficiency, hepatic, type IA; CPT I DEFICIENCY; CPT DEFICIENCY, HEPATIC, TYPE I; Carnitine palmitoyltransferase type I deficiency. Identifiers: Orphanet 156, MedGen C1829703, MONDO:0009705, OMIM 255120.

Allele frequency attached by ClinVar (database versions not stated): gnomAD exomes below 0.00001; ExAC 0.00001.

Submissions (2):

Labcorp Genetics (formerly Invitae), Labcorp
Classification: Pathogenic for Carnitine palmitoyl transferase 1A deficiency. Last evaluated: 2024-02-14. Review status: criteria provided, single submitter. Criteria: Invitae Variant Classification Sherloc (09022015). Collection method: clinical testing. Allele origin: germline.
Comment: This sequence change creates a premature translational stop signal (p.Gln691*) in the CPT1A gene. It is expected to result in an absent or disrupted protein product. Loss-of-function variants in CPT1A are known to be pathogenic (PMID: 16169268). This variant is not present in population databases (gnomAD no frequency). This variant has not been reported in the literature in individuals affected with CPT1A-related conditions. ClinVar contains an entry for this variant (Variation ID: 370101). For these reasons, this variant has been classified as Pathogenic.

Counsyl
Classification: Likely pathogenic for Carnitine palmitoyl transferase 1A deficiency. Last evaluated: 2015-11-18. Review status: no assertion criteria provided. Collection method: clinical testing. Allele origin: unknown. Not counted in ClinVar's aggregate classification.

Literature cited by the submitters: PubMed 16169268 (cited by Labcorp Genetics (formerly Invitae), Labcorp).